The following is an entry in ClinVar:

NM_000090.4(COL3A1):c.4397T>C (p.Leu1466Ser)

Gene: COL3A1 (collagen type III alpha 1 chain; plus strand). Cytogenetic location: 2q32.2.
Variant type: single nucleotide variant.
Coding change: c.4397T>C on transcript NM_000090.4 (MANE Select); coding-DNA position 4397, T replaced by C.
Protein change: p.Leu1466Ser; replaces leucine 1466 with serine.
Molecular consequence: missense variant.
Genome position (GRCh38, 1-based): chr2:189,011,770, T>C. VCF-style: chr2-189011770-T-C. GRCh37 (hg19) VCF-style: chr2-189876496-T-C.
Other names: short protein forms L1466S.
Identifiers: ClinVar variation 3630682 (VCV003630682.2).

ClinVar aggregate classification (germline): Uncertain significance (1 of 4 stars; one submission).

Conditions:
Ehlers-Danlos syndrome, type 4 (EDSVASC). Also called: Ehlers-Danlos syndrome vascular type; Ehlers Danlos syndrome, ecchymotic type; Ehlers Danlos syndrome, arterial type; Ehlers Danlos syndrome, Sack-Barabas type; Ehlers-Danlos Syndrome Type IV. Identifiers: Orphanet 286, MedGen C0268338, MONDO:0017314, OMIM 130050.

Submission:

Labcorp Genetics (formerly Invitae), Labcorp
Classification: Uncertain significance for Ehlers-Danlos syndrome, type 4. Last evaluated: 2024-02-18. Review status: criteria provided, single submitter. Criteria: Invitae Variant Classification Sherloc (09022015). Collection method: clinical testing. Allele origin: germline.
Comment: This sequence change replaces leucine, which is neutral and non-polar, with serine, which is neutral and polar, at codon 1466 of the COL3A1 protein (p.Leu1466Ser). This variant is not present in population databases (gnomAD no frequency). This variant has not been reported in the literature in individuals affected with COL3A1-related conditions. Advanced modeling of protein sequence and biophysical properties (such as structural, functional, and spatial information, amino acid conservation, physicochemical variation, residue mobility, and thermodynamic stability) performed at Invitae indicates that this missense variant is not expected to disrupt COL3A1 protein function with a negative predictive value of 95%. In summary, the available evidence is currently insufficient to determine the role of this variant in disease. Therefore, it has been classified as a Variant of Uncertain Significance.